The following is an entry in ClinVar:

NM_000548.5(TSC2):c.3799C>T (p.Pro1267Ser)

Gene: TSC2 (TSC complex subunit 2; plus strand). Cytogenetic location: 16p13.3.
Variant type: single nucleotide variant.
Coding change: c.3799C>T on transcript NM_000548.5 (MANE Select); coding-DNA position 3799, C replaced by T.
Protein change: p.Pro1267Ser; replaces proline 1267 with serine.
Molecular consequence: missense variant.
Genome position (GRCh38, 1-based): chr16:2,081,783, C>T. VCF-style: chr16-2081783-C-T. GRCh37 (hg19) VCF-style: chr16-2131784-C-T.
Other names: c.3667C>T, p.Pro1223Ser (NM_001077183.3, NM_001370404.1); c.3799C>T, p.Pro1267Ser (NM_001114382.3); c.3559C>T, p.Pro1187Ser (NM_001318827.2); c.3523C>T, p.Pro1175Ser (NM_001318829.2); c.3067C>T, p.Pro1023Ser (NM_001318831.2); c.3700C>T, p.Pro1234Ser (NM_001318832.2); c.3670C>T, p.Pro1224Ser (NM_001363528.2, NM_001370405.1, NM_021055.3); short protein forms P1267S, P1023S, P1187S, P1234S, P1223S, P1224S, P1175S.
Identifiers: ClinVar variation 452681 (VCV000452681.15), dbSNP rs757010959, ClinGen allele CA048474.

ClinVar aggregate classification (germline): Conflicting classifications of pathogenicity. Review status: criteria provided, conflicting classifications (1 of 4 stars). 5 submissions from 5 submitters: Uncertain significance (4); Benign (1). Last evaluated 2024-06-19.

Conditions:
Hereditary cancer-predisposing syndrome. Also called: Tumor predisposition; Hereditary Cancer Syndrome; Neoplastic Syndromes, Hereditary; Hereditary neoplastic syndrome. Identifiers: Orphanet 140162, MedGen C0027672, MeSH D009386, MONDO:0015356.
Tuberous sclerosis syndrome (TSC). Also called: Tuberous sclerosis; Tuberous Sclerosis Complex. Identifiers: Orphanet 805, MedGen C0041341, MONDO:0001734.
Tuberous sclerosis 2 (TSC2). Identifiers: Orphanet 805, MedGen C1860707, MONDO:0013199, OMIM 613254.

Allele frequency attached by ClinVar (database versions not stated): gnomAD exomes below 0.00001 and 0.00001; TOPMed below 0.00001; ExAC 0.00001.
gnomAD v4.1: 2 of 1,612,458 alleles (0.00012%); highest among the groups gnomAD compares: African/African-American, 0.0013%; no homozygotes.

Submissions (5):

Labcorp Genetics (formerly Invitae), Labcorp
Classification: Benign for Tuberous sclerosis 2. Last evaluated: 2024-06-19. Review status: criteria provided, single submitter. Criteria: Invitae Variant Classification Sherloc (09022015). Collection method: clinical testing. Allele origin: germline.

GeneDx
Classification: Uncertain significance. Last evaluated: 2024-04-24. Review status: criteria provided, single submitter. Criteria: GeneDx Variant Classification Process June 2021. Collection method: clinical testing. Allele origin: germline. Affected: yes.
Comment: In silico analysis indicates that this missense variant does not alter protein structure/function; Has not been previously published as pathogenic or benign to our knowledge

Color Diagnostics, LLC DBA Color Health
Classification: Uncertain significance for Tuberous sclerosis syndrome. Last evaluated: 2024-03-25. Review status: criteria provided, single submitter. Criteria: ACMG Guidelines, 2015. Collection method: clinical testing. Allele origin: germline.
Comment: This missense variant replaces proline with serine at codon 1267 of the TSC2 protein. Computational prediction suggests that this variant may not impact protein structure and function. To our knowledge, functional studies have not been reported for this variant. This variant has not been reported in individuals affected with tuberous sclerosis complex in the literature. This variant has been identified in 2/249770 chromosomes in the general population by the Genome Aggregation Database (gnomAD). The available evidence is insufficient to determine the role of this variant in disease conclusively. Therefore, this variant is classified as a Variant of Uncertain Significance.

Ambry Genetics
Classification: Uncertain significance for Hereditary cancer-predisposing syndrome. Last evaluated: 2023-10-27. Review status: criteria provided, single submitter. Criteria: Ambry Variant Classification Scheme 2023. Collection method: clinical testing. Allele origin: germline.
Comment: The p.P1267S variant (also known as c.3799C>T), located in coding exon 30 of the TSC2 gene, results from a C to T substitution at nucleotide position 3799. The proline at codon 1267 is replaced by serine, an amino acid with similar properties. This amino acid position is conserved. In addition, the in silico prediction for this alteration is inconclusive. Since supporting evidence is limited at this time, the clinical significance of this alteration remains unclear.

Genome-Nilou Lab
Classification: Uncertain significance for Tuberous sclerosis 2. Last evaluated: 2021-11-07. Review status: criteria provided, single submitter. Criteria: ACMG Guidelines, 2015. Collection method: clinical testing. Allele origin: germline. Affected: no.